The following is an entry in ClinVar:

ClinVar aggregate classification (germline): Uncertain significance (1 of 4 stars; one submission).

Allele frequency attached by ClinVar (database versions not stated): ExAC 0.00001; gnomAD 0.00001; TOPMed 0.00001.
gnomAD v4.1: 12 of 1,613,736 alleles (0.00074%); highest among the groups gnomAD compares: Admixed American, 0.005%; no homozygotes.

Submission:

Labcorp Genetics (formerly Invitae), Labcorp
Classification: Uncertain significance. Last evaluated: 2022-03-09. Review status: criteria provided, single submitter. Criteria: Invitae Variant Classification Sherloc (09022015). Collection method: clinical testing. Allele origin: germline.
Comment: This variant is present in population databases (rs766369653, gnomAD 0.009%). This variant has not been reported in the literature in individuals affected with OTOGL-related conditions. Algorithms developed to predict the effect of missense changes on protein structure and function are either unavailable or do not agree on the potential impact of this missense change (SIFT: "Tolerated"; PolyPhen-2: "Possibly Damaging"; Align-GVGD: "Class C0"). In summary, the available evidence is currently insufficient to determine the role of this variant in disease. Therefore, it has been classified as a Variant of Uncertain Significance. This sequence change replaces glycine, which is neutral and non-polar, with aspartic acid, which is acidic and polar, at codon 717 of the OTOGL protein (p.Gly717Asp).

NM_001378609.3(OTOGL):c.2177G>A (p.Gly726Asp)

Gene: OTOGL (otogelin like; plus strand). Cytogenetic location: 12q21.31.
Variant type: single nucleotide variant.
Coding change: c.2177G>A on transcript NM_001378609.3 (MANE Select); coding-DNA position 2177, G replaced by A.
Protein change: p.Gly726Asp; replaces glycine 726 with aspartic acid.
Molecular consequence: missense variant.
Genome position (GRCh38, 1-based): chr12:80,265,163, G>A. VCF-style: chr12-80265163-G-A. GRCh37 (hg19) VCF-style: chr12-80658943-G-A.
Other names: c.2177G>A, p.Gly726Asp (NM_001368062.3, NM_001378610.3, NM_173591.7); short protein forms G726D.
Identifiers: ClinVar variation 2176325 (VCV002176325.4), dbSNP rs766369653, ClinGen allele CA6700688.
Genomic context (GRCh38, chr12:80,265,163, plus strand): 5'-CATGCAAGTGTGGAAGCTCCTGCCTGTGCAATGCTCTTGCCCACTATGCCTACCTCTGCG[G>A]CCAGCACGGTGTTCCCATTGATTTCAGAACTCAGATTTCTTTCTGTGGTGAGTACAATGG-3'
Protein context (NP_001365538.2, residues 716-736): NALAHYAYLC[Gly726Asp]QHGVPIDFRT